The following is an entry in ClinVar:

NM_000719.7(CACNA1C):c.5091+1G>A

Genes: CACNA1C (calcium voltage-gated channel subunit alpha1 C; plus strand), CACNA1C-AS1 (CACNA1C antisense RNA 1; minus strand). Cytogenetic location: 12p13.33.
Variant type: single nucleotide variant.
Coding change: c.5091+1G>A on transcript NM_000719.7 (MANE Select); the canonical splice donor site of the intron after coding-DNA position 5091, G replaced by A.
Molecular consequence: splice donor variant. On other transcripts: non-coding transcript variant (1).
Genome position (GRCh38, 1-based): chr12:2,677,868, G>A. VCF-style: chr12-2677868-G-A. GRCh37 (hg19) VCF-style: chr12-2787034-G-A.
Other names: c.5091+1G>A (NM_001167624.3, NM_001167623.2, NM_001129840.2 and 4 more transcripts); c.5058+1G>A (NM_001167625.2, NM_001129846.2); c.5235+1G>A (NM_199460.4, NM_001129827.2); c.5151+1G>A (NM_001129832.2); c.5175+1G>A (NM_001129831.2); c.5148+1G>A (NM_001129833.2, NM_001129834.2, NM_001129835.2); c.5214+1G>A (NM_001129829.2); c.5115+1G>A (NM_001129837.2, NM_001129838.2); and 3 more.
Identifiers: ClinVar variation 1313855 (VCV001313855.3), dbSNP rs2153791497, ClinGen allele CA383378471.

ClinVar aggregate classification (germline): Pathogenic (1 of 4 stars; one submission).

Submission:

GeneDx
Classification: Pathogenic. Last evaluated: 2024-05-09. Review status: criteria provided, single submitter. Criteria: GeneDx Variant Classification Process June 2021. Collection method: clinical testing. Allele origin: germline. Affected: yes.
Comment: Canonical splice site variant predicted to result in an in-frame loss of the adjacent exon in a gene for which loss of function is a known mechanism of disease; Not observed in large population cohorts (gnomAD); Has not been previously published as pathogenic or benign to our knowledge